The following is an entry in ClinVar:

ClinVar aggregate classification (germline): Uncertain significance (1 of 4 stars; one submission).

gnomAD v4.1: 12 of 1,613,696 alleles (0.00074%); highest among the groups gnomAD compares: Non-Finnish European, 0.00093%; no homozygotes.

Submission:

GeneDx
Classification: Uncertain significance. Last evaluated: 2024-05-08. Review status: criteria provided, single submitter. Criteria: GeneDx Variant Classification Process June 2021. Collection method: clinical testing. Allele origin: germline. Affected: yes.
Comment: In silico analysis indicates that this variant does not alter splicing; Has not been previously published as pathogenic or benign to our knowledge

NM_001032283.3(TMPO):c.915A>G (p.Ala305=)

Gene: TMPO (thymopoietin; plus strand). Cytogenetic location: 12q23.1.
Variant type: single nucleotide variant.
Coding change: c.915A>G on transcript NM_001032283.3 (MANE Select); coding-DNA position 915, A replaced by G.
Protein change: p.Ala305=; no amino-acid change (alanine 305 retained).
Molecular consequence: synonymous variant. On other transcripts: intron variant (1).
Genome position (GRCh38, 1-based): chr12:98,544,986, A>G. VCF-style: chr12-98544986-A-G. GRCh37 (hg19) VCF-style: chr12-98938764-A-G.
Other names: c.795A>G, p.Ala265= (NM_001307975.2); c.664-1373A>G (NM_001032284.3).
Identifiers: ClinVar variation 3375623 (VCV003375623.1).
Genomic context (GRCh38, chr12:98,544,986, plus strand): 5'-GTCTGAATAATTTGAATCTTGGCAGGTTGTCAATAGGGTGACTGGAAATTTCAAGCATGC[A>G]TCTCCTATTCTGCCAATCACTGAATTCTCAGACATACCCAGAAGAGCACCAAAGAAACCA-3'
Protein context (NP_001027454.1, residues 295-315): VNRVTGNFKH[Ala305=]SPILPITEFS